The following is an entry in ClinVar:

ClinVar aggregate classification (germline): Uncertain significance. Review status: criteria provided, multiple submitters, no conflicts (2 of 4 stars). 3 submissions from 3 submitters: Uncertain significance (2). 1 of the submissions does not count toward it. Last evaluated 2022-04-21.

Conditions:
Bartter disease type 2. Also called: HYPERPROSTAGLANDIN E SYNDROME 2; HYPOKALEMIC ALKALOSIS WITH HYPERCALCIURIA 2, ANTENATAL; Bartter syndrome, type 2, antenatal. Identifiers: Orphanet 112, Orphanet 620220, MedGen C1855849, MONDO:0009424, OMIM 241200.

Allele frequency attached by ClinVar (database versions not stated): gnomAD exomes below 0.00001; TOPMed below 0.00001; ExAC 0.00001; gnomAD 0.00001.
gnomAD v4.1: 3 of 1,613,960 alleles (0.00019%); highest among the groups gnomAD compares: Non-Finnish European, 0.00025%; no homozygotes.

Submissions (3):

Fulgent Genetics
Classification: Uncertain significance for Bartter disease type 2. Last evaluated: 2022-04-21. Review status: criteria provided, single submitter. Criteria: ACMG Guidelines, 2015. Collection method: clinical testing. Allele origin: unknown.

Labcorp Genetics (formerly Invitae), Labcorp
Classification: Uncertain significance. Last evaluated: 2022-04-05. Review status: criteria provided, single submitter. Criteria: Invitae Variant Classification Sherloc (09022015). Collection method: clinical testing. Allele origin: germline.
Comment: In summary, the available evidence is currently insufficient to determine the role of this variant in disease. Therefore, it has been classified as a Variant of Uncertain Significance. Algorithms developed to predict the effect of missense changes on protein structure and function (SIFT, PolyPhen-2, Align-GVGD) all suggest that this variant is likely to be disruptive. ClinVar contains an entry for this variant (Variation ID: 64391). This variant has not been reported in the literature in individuals affected with KCNJ1-related conditions. This variant is present in population databases (rs387907439, gnomAD 0.002%). This sequence change replaces tyrosine, which is neutral and polar, with cysteine, which is neutral and slightly polar, at codon 100 of the KCNJ1 protein (p.Tyr100Cys).

Martin Pollak Laboratory,  Beth Israel Deaconess Medical Center
Classification: Uncertain significance. Review status: no assertion criteria provided. Collection method: not provided. Allele origin: unknown. Not counted in ClinVar's aggregate classification.
Comment: Higher UCa2+ group
ClinVar note: Converted during submission from unknown to Uncertain significance.

NM_153766.3(KCNJ1):c.242A>G (p.Tyr81Cys)

Gene: KCNJ1 (potassium inwardly rectifying channel subfamily J member 1; minus strand). Cytogenetic location: 11q24.3.
Variant type: single nucleotide variant.
Coding change: c.242A>G on transcript NM_153766.3 (MANE Select); coding-DNA position 242, A replaced by G.
Protein change: p.Tyr81Cys; replaces tyrosine 81 with cysteine.
Molecular consequence: missense variant.
Genome position (GRCh38, 1-based): chr11:128,840,002, T>C on the plus strand (A>G on the coding strand, the complement: KCNJ1 is on the minus strand). VCF-style: chr11-128840002-T-C. GRCh37 (hg19) VCF-style: chr11-128709897-T-C.
Other names: c.299A>G, p.Tyr100Cys (NM_000220.6); c.242A>G, p.Tyr81Cys (NM_153764.3, NM_153767.4); c.293A>G, p.Tyr98Cys (NM_153765.3); short protein forms Y81C, Y100C, Y98C.
Identifiers: ClinVar variation 64391 (VCV000064391.7), dbSNP rs387907439, ClinGen allele CA216041.